The following is an entry in ClinVar:

NM_020247.5(COQ8A):c.1324G>A (p.Val442Met)

Gene: COQ8A (coenzyme Q8A; plus strand). Cytogenetic location: 1q42.13.
Variant type: single nucleotide variant.
Coding change: c.1324G>A on transcript NM_020247.5 (MANE Select); coding-DNA position 1324, G replaced by A.
Protein change: p.Val442Met; replaces valine 442 with methionine.
Molecular consequence: missense variant.
Genome position (GRCh38, 1-based): chr1:226,984,161, G>A. VCF-style: chr1-226984161-G-A. GRCh37 (hg19) VCF-style: chr1-227171862-G-A.
Other names: short protein forms V442M.
Identifiers: ClinVar variation 1977540 (VCV001977540.5), dbSNP rs1312867086, ClinGen allele CA345055232.
Genomic context (GRCh38, chr1:226,984,161, plus strand): 5'-CTGAAGGGCCACCCCTTCTTCTATGTGCCTGAGATTGTGGATGAGCTCTGCAGCCCACAT[G>A]TGCTGACCACAGAGCTGGTGTCTGGCTTCCCCCTGGACCAGGCCGAAGGGCTCAGCCAGG-3'
Protein context (NP_064632.2, residues 432-452): EIVDELCSPH[Val442Met]LTTELVSGFP

ClinVar aggregate classification (germline): Uncertain significance (1 of 4 stars; one submission).

Allele frequency attached by ClinVar (database versions not stated): gnomAD exomes 0.00001.
gnomAD v4.1: 12 of 1,613,914 alleles (0.00074%); highest among the groups gnomAD compares: Admixed American, 0.0017%; no homozygotes.

Submission:

Labcorp Genetics (formerly Invitae), Labcorp
Classification: Uncertain significance. Last evaluated: 2022-05-07. Review status: criteria provided, single submitter. Criteria: Invitae Variant Classification Sherloc (09022015). Collection method: clinical testing. Allele origin: germline.
Comment: In summary, the available evidence is currently insufficient to determine the role of this variant in disease. Therefore, it has been classified as a Variant of Uncertain Significance. This sequence change replaces valine, which is neutral and non-polar, with methionine, which is neutral and non-polar, at codon 442 of the COQ8A protein (p.Val442Met). The frequency data for this variant in the population databases is considered unreliable, as metrics indicate poor data quality at this position in the gnomAD database. This variant has not been reported in the literature in individuals affected with COQ8A-related conditions. Advanced modeling of protein sequence and biophysical properties (such as structural, functional, and spatial information, amino acid conservation, physicochemical variation, residue mobility, and thermodynamic stability) performed at Invitae indicates that this missense variant is expected to disrupt COQ8A protein function.